The following is an entry in ClinVar:

ClinVar aggregate classification (germline): Conflicting classifications of pathogenicity. Review status: criteria provided, conflicting classifications (1 of 4 stars). 3 submissions from 3 submitters: Uncertain significance (2); Likely benign (1). Last evaluated 2026-01-23.

Conditions:
Cardiovascular phenotype. Identifiers: MedGen CN230736.
Brugada syndrome 8 (BRGDA8). Identifiers: Orphanet 130, MedGen C2751083, MONDO:0013148, OMIM 613123.

Allele frequency attached by ClinVar (database versions not stated): ExAC 0.00003; TOPMed 0.00004; gnomAD 0.00005; gnomAD exomes 0.00006.
gnomAD v4.1: 41 of 1,614,052 alleles (0.0025%); highest among the groups gnomAD compares: Non-Finnish European, 0.00034%; no homozygotes.

Submissions (3):

Labcorp Genetics (formerly Invitae), Labcorp
Classification: Likely benign for Brugada syndrome 8. Last evaluated: 2026-01-23. Review status: criteria provided, single submitter. Criteria: Invitae Variant Classification Sherloc (09022015). Collection method: clinical testing. Allele origin: germline.

Ambry Genetics
Classification: Uncertain significance for Cardiovascular phenotype. Last evaluated: 2024-08-12. Review status: criteria provided, single submitter. Criteria: Ambry Variant Classification Scheme 2023. Collection method: clinical testing. Allele origin: germline.
Comment: The p.V642M variant (also known as c.1924G>A), located in coding exon 6 of the HCN4 gene, results from a G to A substitution at nucleotide position 1924. The valine at codon 642 is replaced by methionine, an amino acid with highly similar properties. This amino acid position is well conserved in available vertebrate species. In addition, this alteration is predicted to be deleterious by in silico analysis. Based on the available evidence, the clinical significance of this variant remains unclear.

GeneDx
Classification: Uncertain significance. Last evaluated: 2022-08-12. Review status: criteria provided, single submitter. Criteria: GeneDx Variant Classification Process June 2021. Collection method: clinical testing. Allele origin: germline. Affected: yes.
Comment: In silico analysis supports that this missense variant has a deleterious effect on protein structure/function; Has not been previously published as pathogenic or benign to our knowledge; This variant is associated with the following publications: (PMID: 27535533, 26582918)

NM_005477.3(HCN4):c.1924G>A (p.Val642Met)

Gene: HCN4 (hyperpolarization activated cyclic nucleotide gated potassium channel 4; minus strand). Cytogenetic location: 15q24.1.
Variant type: single nucleotide variant.
Coding change: c.1924G>A on transcript NM_005477.3 (MANE Select); coding-DNA position 1924, G replaced by A.
Protein change: p.Val642Met; replaces valine 642 with methionine.
Molecular consequence: missense variant.
Genome position (GRCh38, 1-based): chr15:73,325,009, C>T on the plus strand (G>A on the coding strand, the complement: HCN4 is on the minus strand). VCF-style: chr15-73325009-C-T. GRCh37 (hg19) VCF-style: chr15-73617350-C-T.
Other names: short protein forms V642M.
Identifiers: ClinVar variation 699010 (VCV000699010.16), dbSNP rs779402752, ClinGen allele CA7649165.